The following is an entry in ClinVar:

ClinVar aggregate classification (germline): Pathogenic (1 of 4 stars; one submission).

Conditions:
Neurodevelopmental disorder. Identifiers: MedGen C1535926, MeSH D065886, MONDO:0700092.

Submission:

Laboratory of Molecular Genetics (Pr. Bezieau's lab), CHU de Nantes
Classification: Pathogenic for Neurodevelopmental disorder. Last evaluated: 2026-05-27. Review status: criteria provided, single submitter. Criteria: ACMG Guidelines, 2015. Collection method: clinical testing. Allele origin: de novo. Inheritance: Autosomal dominant inheritance. Affected: yes. Observed: 1 variant allele, 1 heterozygote.
Comment: Evidence for loss of function/haploinsufficiency being pathogenic in PMID: 41415500. Decreased expression of PCBP1 expression in patient cells. ACMG criteria: PVS1, PS2, PM2. Protein change: p.(Glu56Alafs*12).

Literature cited by the submitters: PubMed 41415500.

NM_006196.4(PCBP1):c.167_188del (p.Glu56fs)

Genes: PCBP1 (poly(rC) binding protein 1; plus strand), PCBP1-AS1 (PCBP1 antisense RNA 1; minus strand). Cytogenetic location: 2p13.3.
Variant type: Deletion.
Coding change: c.167_188del on transcript NM_006196.4 (MANE Select); coding-DNA positions 167 to 188, 22 bases deleted (AGAGAATCATCACTCTGACCGG).
Protein change: p.Glu56fs; shifts the reading frame from glutamic acid 56.
Molecular consequence: frameshift variant. On other transcripts: non-coding transcript variant (5).
Genome position (GRCh38, 1-based): chr2:70,087,910-70,087,931, AGAGAATCATCACTCTGACCGG deleted; deleting any 22 consecutive bases within chr2:70,087,906-70,087,931 gives the same sequence; the c. name uses the placement nearest the transcript's 3' end. VCF-style (leftmost placement, unchanged base first): chr2-70087905-TCCGGAGAGAATCATCACTCTGA-T. GRCh37 (hg19) VCF-style: chr2-70315037-TCCGGAGAGAATCATCACTCTGA-T.
Other names: short protein forms E56fs.
Identifiers: ClinVar variation 4852569 (VCV004852569.1).